The following is an entry in ClinVar:

NM_002474.3(MYH11):c.2001G>A (p.Thr667=)

Gene: MYH11 (myosin heavy chain 11; minus strand). Cytogenetic location: 16p13.11.
Variant type: single nucleotide variant.
Coding change: c.2001G>A on transcript NM_002474.3 (MANE Select); coding-DNA position 2001, G replaced by A.
Protein change: p.Thr667=; no amino-acid change (threonine 667 retained).
Molecular consequence: synonymous variant.
Genome position (GRCh38, 1-based): chr16:15,750,195, C>T on the plus strand (G>A on the coding strand, the complement: MYH11 is on the minus strand). VCF-style: chr16-15750195-C-T. GRCh37 (hg19) VCF-style: chr16-15844052-C-T.
Other names: c.2022G>A, p.Thr674= (NM_001040113.2, NM_001040114.2); c.2001G>A, p.Thr667= (NM_022844.3).
Identifiers: ClinVar variation 519923 (VCV000519923.17), dbSNP rs541451054, ClinGen allele CA7922456.
Genomic context (GRCh38, chr16:15,750,195, plus strand): 5'-CACCCTCTTCTCGTGGTTGGGGATGATGCAGCGCACGAAGTTGGGCGTGGTGTTGCGTAG[C>T]GTGGTCATCAGCTTGCCCAGCTGCTCCTTGTACAGCTGCCCCACTGTGCGGAACATGCCC-3'
Protein context (NP_002465.1, residues 657-677): YKEQLGKLMT[Thr667=]LRNTTPNFVR

ClinVar aggregate classification (germline): Likely benign. Review status: criteria provided, multiple submitters, no conflicts (2 of 4 stars). 5 submissions from 5 submitters: Likely benign (5). Last evaluated 2025-04-02.

Conditions:
Familial thoracic aortic aneurysm and aortic dissection (TAAD). Also called: Thoracic aortic aneurysms and dissections. Identifiers: Orphanet 91387, MedGen C4707243, MONDO:0019625.
Aortic aneurysm, familial thoracic 4 (AAT4). Also called: AORTIC ANEURYSM/AORTIC DISSECTION AND PATENT DUCTUS ARTERIOSUS. Identifiers: MedGen C1851504, MONDO:0007568, OMIM 132900.

Allele frequency attached by ClinVar (database versions not stated): ExAC 0.00001; gnomAD exomes 0.00001 and 0.00002; gnomAD 0.00002 and 0.00003; TOPMed 0.00003; 1000 Genomes Project 30x 0.00016; 1000 Genomes Project 0.00020.
gnomAD v4.1: 15 of 1,614,232 alleles (0.00093%); highest among the groups gnomAD compares: Middle Eastern, 0.016%; no homozygotes.

Submissions (5):

Labcorp Genetics (formerly Invitae), Labcorp
Classification: Likely benign for Aortic aneurysm, familial thoracic 4. Last evaluated: 2025-04-02. Review status: criteria provided, single submitter. Criteria: Invitae Variant Classification Sherloc (09022015). Collection method: clinical testing. Allele origin: germline.

Blueprint Genetics
Classification: Likely benign. Last evaluated: 2024-04-12. Review status: criteria provided, single submitter. Criteria: ACMG Guidelines, 2015. Collection method: clinical testing. Allele origin: germline.

All of Us Research Program, National Institutes of Health
Classification: Likely benign for Familial thoracic aortic aneurysm and aortic dissection. Last evaluated: 2023-12-13. Review status: criteria provided, single submitter. Criteria: ACMG Guidelines, 2015. Collection method: clinical testing. Allele origin: germline. Inheritance: Autosomal dominant inheritance. Observed: 7 variant alleles, 7 heterozygotes.
Comment: This study involves interpretation of variants in research participants for the purpose of population health screening. Participant phenotype was not available at the time of variant classification. Additional details can be found in publication PMID: 35346344, PMCID: PMC8962531

Color Diagnostics, LLC DBA Color Health
Classification: Likely benign for Familial thoracic aortic aneurysm and aortic dissection. Last evaluated: 2020-03-30. Review status: criteria provided, single submitter. Criteria: ACMG Guidelines, 2015. Collection method: clinical testing. Allele origin: germline.

Ambry Genetics
Classification: Likely benign for Familial thoracic aortic aneurysm and aortic dissection. Last evaluated: 2016-01-21. Review status: criteria provided, single submitter. Criteria: Ambry Variant Classification Scheme 2023. Collection method: clinical testing. Allele origin: germline.